The following is an entry in ClinVar:

NM_000038.6(APC):c.2186_2187del (p.Leu729fs)

Gene: APC (APC regulator of Wnt signaling pathway; plus strand). Cytogenetic location: 5q22.2.
Variant type: Microsatellite.
Coding change: c.2186_2187del on transcript NM_000038.6 (MANE Select); coding-DNA positions 2186 to 2187, 2 bases deleted (TC; older notation c.2186_2187delTC).
Protein change: p.Leu729fs; shifts the reading frame from leucine 729.
Molecular consequence: frameshift variant. On other transcripts: non-coding transcript variant (2).
Genome position (GRCh38, 1-based): chr5:112,837,780-112,837,781, TC deleted; deleting any 2 consecutive bases within chr5:112,837,778-112,837,781 gives the same sequence; the c. name uses the placement nearest the transcript's 3' end. VCF-style (leftmost placement, unchanged base first): chr5-112837777-ATC-A. GRCh37 (hg19) VCF-style: chr5-112173474-ATC-A.
Other names: c.2165_2166del, p.Leu722fs (NM_001407451.1); c.2156_2157del, p.Leu719fs (NM_001407452.1); c.2009_2010del, p.Leu670fs (NM_001407453.1, NM_001354901.2); c.1937_1938del, p.Leu646fs (NM_001407455.1, NM_001407456.1, NM_001407457.1 and 1 more transcripts); c.1883_1884del, p.Leu628fs (NM_001407458.1, NM_001354903.2, NM_001407459.1 and 1 more transcripts); c.2186_2187del, p.Leu729fs (NM_001127510.3, NM_001354895.2, NM_001407450.1); c.2132_2133del, p.Leu711fs (NM_001127511.3); c.2240_2241del, p.Leu747fs (NM_001354896.2, NM_001407447.1, NM_001407448.1 and 1 more transcripts); and 11 more; short protein forms L345fs, L446fs, L569fs, L600fs, L603fs, L628fs, L638fs, L646fs.
Identifiers: ClinVar variation 2584272 (VCV002584272.2), dbSNP rs2533402702, ClinGen allele CA2582341432.

ClinVar aggregate classification (germline): Pathogenic (1 of 4 stars; one submission).

Conditions:
Familial adenomatous polyposis 1 (FAP1). Also called: FAMILIAL ADENOMATOUS POLYPOSIS 1, ATTENUATED; POLYPOSIS, ADENOMATOUS INTESTINAL. Identifiers: MedGen C2713442, MONDO:0021056, OMIM 175100. Disease mechanism: loss of function.

Submission:

Myriad Genetics, Inc.
Classification: Pathogenic for Familial adenomatous polyposis 1. Last evaluated: 2023-05-04. Review status: criteria provided, single submitter. Criteria: Myriad Autosomal Dominant, Autosomal Recessive and X-Linked Classification Criteria (2023). Collection method: clinical testing. Allele origin: unknown.
Comment: This variant is considered pathogenic. This variant creates a frameshift predicted to result in premature protein truncation.